The following is an entry in ClinVar:

NM_003737.4(DCHS1):c.7844C>T (p.Thr2615Ile)

Gene: DCHS1 (dachsous cadherin-related 1; minus strand). Cytogenetic location: 11p15.4.
Variant type: single nucleotide variant.
Coding change: c.7844C>T on transcript NM_003737.4 (MANE Select); coding-DNA position 7844, C replaced by T.
Protein change: p.Thr2615Ile; replaces threonine 2615 with isoleucine.
Molecular consequence: missense variant.
Genome position (GRCh38, 1-based): chr11:6,623,832, G>A on the plus strand (C>T on the coding strand, the complement: DCHS1 is on the minus strand). VCF-style: chr11-6623832-G-A. GRCh37 (hg19) VCF-style: chr11-6645063-G-A.
Other names: short protein forms T2615I.
Identifiers: ClinVar variation 2708802 (VCV002708802.3), dbSNP rs1855747328, ClinGen allele CA379482251.
Genomic context (GRCh38, chr11:6,623,832, plus strand): 5'-CCATGAGGGCCAGGGTCAGCGTCAGAGGCCTCTACATGCAGCAGCTCAGCTCCAACAGGT[G>A]TGTCCTCAGGTACTGTCACACGGTAGGATGCTCGGGTAAAGACAGGTGGGTTGTCATTGA-3'
Protein context (NP_003728.1, residues 2605-2625): ASYRVTVPED[Thr2615Ile]PVGAELLHVE

ClinVar aggregate classification (germline): Uncertain significance (1 of 4 stars; one submission).

Submission:

Labcorp Genetics (formerly Invitae), Labcorp
Classification: Uncertain significance. Last evaluated: 2024-01-11. Review status: criteria provided, single submitter. Criteria: Invitae Variant Classification Sherloc (09022015). Collection method: clinical testing. Allele origin: germline.
Comment: This sequence change replaces threonine, which is neutral and polar, with isoleucine, which is neutral and non-polar, at codon 2615 of the DCHS1 protein (p.Thr2615Ile). This variant is not present in population databases (gnomAD no frequency). This variant has not been reported in the literature in individuals affected with DCHS1-related conditions. Advanced modeling of protein sequence and biophysical properties (such as structural, functional, and spatial information, amino acid conservation, physicochemical variation, residue mobility, and thermodynamic stability) performed at Invitae indicates that this missense variant is expected to disrupt DCHS1 protein function with a positive predictive value of 80%. In summary, the available evidence is currently insufficient to determine the role of this variant in disease. Therefore, it has been classified as a Variant of Uncertain Significance.